The following is an entry in ClinVar:

NM_004612.4(TGFBR1):c.97+6C>T

Gene: TGFBR1 (transforming growth factor beta receptor 1; plus strand). Cytogenetic location: 9q22.33.
Variant type: single nucleotide variant.
Coding change: c.97+6C>T on transcript NM_004612.4 (MANE Select); 6 bases into the intron after coding-DNA position 97, C replaced by T.
Molecular consequence: intron variant.
Genome position (GRCh38, 1-based): chr9:99,105,308, C>T. VCF-style: chr9-99105308-C-T. GRCh37 (hg19) VCF-style: chr9-101867590-C-T.
Other names: c.97+6C>T (NM_001306210.2, NM_001130916.3).
Identifiers: ClinVar variation 2151543 (VCV002151543.4), dbSNP rs1452890040, ClinGen allele CA869118409.

ClinVar aggregate classification (germline): Uncertain significance (1 of 4 stars; one submission).

Conditions:
Familial thoracic aortic aneurysm and aortic dissection (TAAD). Also called: Thoracic aortic aneurysms and dissections. Identifiers: Orphanet 91387, MedGen C4707243, MONDO:0019625.

Allele frequency attached by ClinVar (database versions not stated): TOPMed below 0.00001; gnomAD exomes 0.00001.
gnomAD v4.1: 9 of 981,358 alleles (0.00092%); highest among the groups gnomAD compares: Non-Finnish European, 0.0011%; no homozygotes.

Submission:

Labcorp Genetics (formerly Invitae), Labcorp
Classification: Uncertain significance for Familial thoracic aortic aneurysm and aortic dissection. Last evaluated: 2023-10-19. Review status: criteria provided, single submitter. Criteria: Invitae Variant Classification Sherloc (09022015). Collection method: clinical testing. Allele origin: germline.
Comment: This sequence change falls in intron 1 of the TGFBR1 gene. It does not directly change the encoded amino acid sequence of the TGFBR1 protein. It affects a nucleotide within the consensus splice site. The frequency data for this variant in the population databases is considered unreliable, as metrics indicate insufficient coverage at this position in the gnomAD database. This variant has not been reported in the literature in individuals affected with TGFBR1-related conditions. ClinVar contains an entry for this variant (Variation ID: 2151543). Variants that disrupt the consensus splice site are a relatively common cause of aberrant splicing (PMID: 17576681, 9536098). Algorithms developed to predict the effect of sequence changes on RNA splicing suggest that this variant is not likely to affect RNA splicing. In summary, the available evidence is currently insufficient to determine the role of this variant in disease. Therefore, it has been classified as a Variant of Uncertain Significance.

Literature cited by the submitters: PubMed 17576681; PubMed 9536098.